The following is an entry in ClinVar:

NM_000099.4(CST3):c.263A>G (p.Tyr88Cys)

Gene: CST3 (cystatin C; minus strand). Cytogenetic location: 20p11.21.
Variant type: single nucleotide variant.
Coding change: c.263A>G on transcript NM_000099.4 (MANE Select); coding-DNA position 263, A replaced by G.
Protein change: p.Tyr88Cys; replaces tyrosine 88 with cysteine.
Molecular consequence: missense variant.
Genome position (GRCh38, 1-based): chr20:23,635,348, T>C on the plus strand (A>G on the coding strand, the complement: CST3 is on the minus strand). VCF-style: chr20-23635348-T-C. GRCh37 (hg19) VCF-style: chr20-23615985-T-C.
Other names: p.Tyr88Cys; c.263A>G, p.Tyr88Cys (NM_001288614.2); short protein forms Y88C.
Identifiers: ClinVar variation 3380657 (VCV003380657.1).

ClinVar aggregate classification (germline): Uncertain significance (1 of 4 stars; one submission).

Submission:

Mayo Clinic Laboratories, Mayo Clinic
Classification: Uncertain significance. Last evaluated: 2023-06-28. Review status: criteria provided, single submitter. Criteria: ACMG Guidelines, 2015. Collection method: clinical testing. Allele origin: germline. Observed: 1 variant allele.
Comment: PM2